The following is an entry in ClinVar:

NM_033028.5(BBS4):c.1039G>A (p.Ala347Thr)

Gene: BBS4 (Bardet-Biedl syndrome 4; plus strand). Cytogenetic location: 15q24.1.
Variant type: single nucleotide variant.
Coding change: c.1039G>A on transcript NM_033028.5 (MANE Select); coding-DNA position 1039, G replaced by A.
Protein change: p.Ala347Thr; replaces alanine 347 with threonine.
Molecular consequence: missense variant. On other transcripts: non-coding transcript variant (2).
Genome position (GRCh38, 1-based): chr15:72,735,115, G>A. VCF-style: chr15-72735115-G-A. GRCh37 (hg19) VCF-style: chr15-73027456-G-A.
Other names: c.1039G>A (NM_033028.4); c.523G>A, p.Ala175Thr (NM_001252678.2); c.970G>A, p.Ala324Thr (NM_001320665.2); short protein forms A347T, A175T, A324T.
Identifiers: ClinVar variation 2151783 (VCV002151783.3), dbSNP rs1227809805, ClinGen allele CA393079565.

ClinVar aggregate classification (germline): Uncertain significance. Review status: criteria provided, single submitter (1 of 4 stars). 2 submissions from 2 submitters: Uncertain significance (1). 1 of the submissions does not count toward it. Last evaluated 2025-07-28.

Conditions:
Bardet-Biedl syndrome (BBS). Identifiers: Orphanet 110, MedGen C0752166, MONDO:0015229.
BBS4-related disorder. Also called: BBS4-related condition.

Allele frequency attached by ClinVar (database versions not stated): gnomAD exomes 0.00002.
gnomAD v4.1: 24 of 1,612,846 alleles (0.0015%); highest among the groups gnomAD compares: Non-Finnish European, 0.002%; no homozygotes.

Submissions (2):

Labcorp Genetics (formerly Invitae), Labcorp
Classification: Uncertain significance for Bardet-Biedl syndrome. Last evaluated: 2025-07-28. Review status: criteria provided, single submitter. Criteria: Invitae Variant Classification Sherloc (09022015). Collection method: clinical testing. Allele origin: germline.
Comment: This sequence change replaces alanine, which is neutral and non-polar, with threonine, which is neutral and polar, at codon 347 of the BBS4 protein (p.Ala347Thr). This variant is present in population databases (no rsID available, gnomAD 0.002%). This variant has not been reported in the literature in individuals affected with BBS4-related conditions. ClinVar contains an entry for this variant (Variation ID: 2151783). An algorithm developed to predict the effect of missense changes on protein structure and function (PolyPhen-2) suggests that this variant is likely to be tolerated. In summary, the available evidence is currently insufficient to determine the role of this variant in disease. Therefore, it has been classified as a Variant of Uncertain Significance.

PreventionGenetics, part of Exact Sciences
Classification: Uncertain significance for BBS4-related condition. Last evaluated: 2024-08-05. Review status: no assertion criteria provided. Collection method: clinical testing. Allele origin: germline. Not counted in ClinVar's aggregate classification.
Comment: The BBS4 c.1039G>A variant is predicted to result in the amino acid substitution p.Ala347Thr. To our knowledge, this variant has not been reported in the literature. This variant is reported in 0.0018% of alleles in individuals of European (Non-Finnish) descent in gnomAD. At this time, the clinical significance of this variant is uncertain due to the absence of conclusive functional and genetic evidence.